The following is an entry in ClinVar:

ClinVar aggregate classification (germline): Pathogenic (1 of 4 stars; one submission).

Conditions:
Joubert syndrome and related disorders. Identifiers: Orphanet 140874, MedGen C5679612, MONDO:0015369.

Submission:

Myriad Genetics, Inc.
Classification: Pathogenic for Joubert syndrome and related disorders. Last evaluated: 2025-05-24. Review status: criteria provided, single submitter. Criteria: Myriad Autosomal Dominant, Autosomal Recessive and X-Linked Classification Criteria (2023). Collection method: clinical testing. Allele origin: unknown.
Comment: NM_001080522.2(CC2D2A):c.1955delC(P652Rfs*3) is expected to be pathogenic in the context of CC2D2A-related disorders. This variant is predicted to lead to an abnormal or absent protein product due to the creation of a premature termination codon in CC2D2A, a gene where loss-of-function variants are known to be pathogenic. Please note: this variant was assessed in the context of healthy population screening.

NM_001378615.1(CC2D2A):c.1955del (p.Pro652fs)

Genes: CC2D2A (coiled-coil and C2 domain containing 2A; plus strand), FBXL5 (F-box and leucine rich repeat protein 5; minus strand). Cytogenetic location: 4p15.32.
Variant type: Deletion.
Coding change: c.1955del on transcript NM_001378615.1 (MANE Select); coding-DNA position 1955, one base deleted (C; older notation c.1955delC).
Protein change: p.Pro652fs; shifts the reading frame from proline 652.
Molecular consequence: frameshift variant.
Genome position (GRCh38, 1-based): chr4:15,538,089, C deleted; the last of 3 consecutive C bases (chr4:15,538,087-15,538,089); deleting any one gives the same sequence. VCF-style (leftmost placement, unchanged base first): chr4-15538086-TC-T. GRCh37 (hg19) VCF-style: chr4-15539709-TC-T.
Other names: c.1955del, p.Pro652fs (NM_001080522.2); c.1808del, p.Pro603fs (NM_001378617.1); short protein forms P603fs, P652fs.
Identifiers: ClinVar variation 5014514 (VCV005014514.1).